The following is an entry in ClinVar:

ClinVar aggregate classification (germline): Likely benign. Review status: criteria provided, multiple submitters, no conflicts (2 of 4 stars). 3 submissions from 3 submitters: Likely benign (3). Last evaluated 2024-02-22.

Conditions:
Methylcobalamin deficiency type cblG (HMAG). Also called: HOMOCYSTINURIA-MEGALOBLASTIC ANEMIA, cblG COMPLEMENTATION TYPE; HOMOCYSTINURIA-MEGALOBLASTIC ANEMIA, cblG TYPE; Functional methionine synthase deficiency type cblG; HOMOCYSTINURIA-MEGALOBLASTIC ANEMIA DUE TO DEFECT IN COBALAMIN METABOLISM, cblG COMPLEMENTATION TYPE. Identifiers: Orphanet 2170, Orphanet 622, MedGen C1855128, MONDO:0009609, OMIM 250940.

Allele frequency attached by ClinVar (database versions not stated): gnomAD 0.00002; ExAC 0.00003; TOPMed 0.00003; gnomAD exomes 0.00004; ESP Exome Variant Server 0.00008.
gnomAD v4.1: 62 of 1,614,026 alleles (0.0038%); highest among the groups gnomAD compares: Middle Eastern, 0.033%; no homozygotes.

Submissions (3):

Labcorp Genetics (formerly Invitae), Labcorp
Classification: Likely benign for Methylcobalamin deficiency type cblG. Last evaluated: 2024-02-22. Review status: criteria provided, single submitter. Criteria: Invitae Variant Classification Sherloc (09022015). Collection method: clinical testing. Allele origin: germline.

Blueprint Genetics
Classification: Likely benign. Last evaluated: 2021-12-13. Review status: criteria provided, single submitter. Criteria: ACMG Guidelines, 2015. Collection method: clinical testing. Allele origin: germline.

GeneDx
Classification: Likely benign. Last evaluated: 2017-11-16. Review status: criteria provided, single submitter. Criteria: GeneDx Variant Classification (06012015). Collection method: clinical testing. Allele origin: germline. Affected: yes.
Comment: This variant is considered likely benign or benign based on one or more of the following criteria: it is a conservative change, it occurs at a poorly conserved position in the protein, it is predicted to be benign by multiple in silico algorithms, and/or has population frequency not consistent with disease.

NM_000254.3(MTR):c.1395G>A (p.Gly465=)

Gene: MTR (5-methyltetrahydrofolate-homocysteine methyltransferase; plus strand). Cytogenetic location: 1q43.
Variant type: single nucleotide variant.
Coding change: c.1395G>A on transcript NM_000254.3 (MANE Select); coding-DNA position 1395, G replaced by A.
Protein change: p.Gly465=; no amino-acid change (glycine 465 retained).
Molecular consequence: synonymous variant.
Genome position (GRCh38, 1-based): chr1:236,838,479, G>A. VCF-style: chr1-236838479-G-A. GRCh37 (hg19) VCF-style: chr1-237001779-G-A.
Other names: c.1395G>A, p.Gly465= (NM_001291939.1); c.174G>A, p.Gly58= (NM_001291940.2).
Identifiers: ClinVar variation 513164 (VCV000513164.10), dbSNP rs372015549, ClinGen allele CA1474073.